The following is an entry in ClinVar:

NC_000004.11:g.(?_509742)_(533158_?)del

Gene: PIGG (phosphatidylinositol glycan anchor biosynthesis class G (EMM blood group); plus strand). Cytogenetic location: 4p16.3.
Variant type: Deletion.
Identifiers: ClinVar variation 2423743 (VCV002423743.6).

ClinVar aggregate classification (germline): Pathogenic (1 of 4 stars; one submission).

Conditions:
Intellectual disability, autosomal recessive 53 (NEDHSCA). Also called: GLYCOSYLPHOSPHATIDYLINOSITOL BIOSYNTHESIS DEFECT 13; Mental retardation, autosomal recessive 53; NEURODEVELOPMENTAL DISORDER WITH OR WITHOUT HYPOTONIA, SEIZURES, AND CEREBELLAR ATROPHY. Identifiers: Orphanet 488635, MedGen C4310794, MONDO:0014832, OMIM 616917.

Submission:

Labcorp Genetics (formerly Invitae), Labcorp
Classification: Pathogenic for Intellectual disability, autosomal recessive 53. Last evaluated: 2022-09-12. Review status: criteria provided, single submitter. Criteria: Invitae Variant Classification Sherloc (09022015). Collection method: clinical testing. Allele origin: germline.
Comment: For these reasons, this variant has been classified as Pathogenic. This variant disrupts a region of the PIGG protein in which other variant(s) (p.Cys927Tyrfs*58) have been determined to be pathogenic (Invitae). This suggests that this is a clinically significant region of the protein, and that variants that disrupt it are likely to be disease-causing. This variant has not been reported in the literature in individuals affected with PIGG-related conditions. This variant is a gross deletion of the genomic region encompassing exon(s) 6-13 of the PIGG gene, which includes the termination codon. This deletion extends beyond the assayed region for this gene and therefore may encompass additional genes. While this deletion is not anticipated to lead to nonsense mediated decay, it is expected to alter mRNA translation or result in a truncated protein product.